The following is an entry in ClinVar:

ClinVar aggregate classification (germline): Uncertain significance (1 of 4 stars; one submission).

Conditions:
Hereditary cancer-predisposing syndrome. Also called: Neoplastic Syndromes, Hereditary; Tumor predisposition; Hereditary Cancer Syndrome; Hereditary neoplastic syndrome. Identifiers: Orphanet 140162, MedGen C0027672, MeSH D009386, MONDO:0015356.

Submission:

Ambry Genetics
Classification: Uncertain significance for Hereditary cancer-predisposing syndrome. Last evaluated: 2024-11-18. Review status: criteria provided, single submitter. Criteria: Ambry Variant Classification Scheme 2023. Collection method: clinical testing. Allele origin: germline.
Comment: The p.A249E variant (also known as c.746C>A), located in coding exon 3 of the PHOX2B gene, results from a C to A substitution at nucleotide position 746. The alanine at codon 249 is replaced by glutamic acid, an amino acid with dissimilar properties. This amino acid position is conserved. In addition, this alteration is predicted to be tolerated by in silico analysis. Based on the available evidence, the clinical significance of this variant remains unclear.

NM_003924.4(PHOX2B):c.746C>A (p.Ala249Glu)

Genes: PHOX2B (paired like homeobox 2B; minus strand), LOC110011216 (paired like homeobox 2b polyalanine repeat instability region; plus strand). Cytogenetic location: 4p13.
Variant type: single nucleotide variant.
Coding change: c.746C>A on transcript NM_003924.4 (MANE Select); coding-DNA position 746, C replaced by A.
Protein change: p.Ala249Glu; replaces alanine 249 with glutamic acid.
Molecular consequence: missense variant.
Genome position (GRCh38, 1-based): chr4:41,746,006, G>T on the plus strand (C>A on the coding strand, the complement: PHOX2B is on the minus strand). VCF-style: chr4-41746006-G-T. GRCh37 (hg19) VCF-style: chr4-41748023-G-T.
Other names: short protein forms A249E.
Identifiers: ClinVar variation 3417956 (VCV003417956.1).
Genomic context (GRCh38, chr4:41,746,006, plus strand): 5'-GGGCCCCCAGCCGCAGCCAGGCCTCCAGCTGCCGCCGCTGCCGCTGCCGCCGCCGCCGCT[G>T]CCGCGGCCGCCGCCGCTGCTGCTGCGCCGCCCTTGCCGGGTTCGCCTCCCGGGCCCCCGG-3'
Protein context (NP_003915.2, residues 239-259): GGAAAAAAAA[Ala249Glu]AAAAAAAAAA